The following is an entry in ClinVar:

NM_001621.5(AHR):c.1499C>A (p.Thr500Asn)

Gene: AHR (aryl hydrocarbon receptor; plus strand). Cytogenetic location: 7p21.1.
Variant type: single nucleotide variant.
Coding change: c.1499C>A on transcript NM_001621.5 (MANE Select); coding-DNA position 1499, C replaced by A.
Protein change: p.Thr500Asn; replaces threonine 500 with asparagine.
Molecular consequence: missense variant.
Genome position (GRCh38, 1-based): chr7:17,339,324, C>A. VCF-style: chr7-17339324-C-A. GRCh37 (hg19) VCF-style: chr7-17378948-C-A.
Other names: short protein forms T500N.
Identifiers: ClinVar variation 1482028 (VCV001482028.8), dbSNP rs372146849, ClinGen allele CA4172130.

ClinVar aggregate classification (germline): Uncertain significance (1 of 4 stars; one submission).

Allele frequency attached by ClinVar (database versions not stated): gnomAD 0.00001.
gnomAD v4.1: 5 of 1,614,066 alleles (0.00031%); highest among the groups gnomAD compares: Admixed American, 0.0017%; no homozygotes.

Submission:

Labcorp Genetics (formerly Invitae), Labcorp
Classification: Uncertain significance. Last evaluated: 2022-09-01. Review status: criteria provided, single submitter. Criteria: Invitae Variant Classification Sherloc (09022015). Collection method: clinical testing. Allele origin: germline.
Comment: This sequence change replaces threonine, which is neutral and polar, with asparagine, which is neutral and polar, at codon 500 of the AHR protein (p.Thr500Asn). This variant is present in population databases (rs372146849, gnomAD 0.006%). This variant has not been reported in the literature in individuals affected with AHR-related conditions. ClinVar contains an entry for this variant (Variation ID: 1482028). Algorithms developed to predict the effect of missense changes on protein structure and function (SIFT, PolyPhen-2, Align-GVGD) all suggest that this variant is likely to be tolerated. In summary, the available evidence is currently insufficient to determine the role of this variant in disease. Therefore, it has been classified as a Variant of Uncertain Significance.